The following is an entry in ClinVar:

ClinVar aggregate classification (germline): Benign/Likely benign. Review status: criteria provided, multiple submitters, no conflicts (2 of 4 stars). 20 submissions from 17 submitters: Benign (10); Likely benign (7). 3 of the submissions do not count toward it. Last evaluated 2026-02-03.

Conditions:
Dilated cardiomyopathy 1G (CMD1G). Identifiers: Orphanet 154, MedGen C1858763, MONDO:0011400, OMIM 604145.
Autosomal recessive limb-girdle muscular dystrophy type 2J (LGMDR10). Also called: MUSCULAR DYSTROPHY, LIMB-GIRDLE, AUTOSOMAL RECESSIVE 10; Limb-girdle muscular dystrophy, type 2J. Identifiers: Orphanet 140922, MedGen C1837342, MONDO:0012127, OMIM 608807.
Cardiovascular phenotype. Identifiers: MedGen CN230736.
TTN-related disorder. Also called: TTN-related disorders; TTN-related condition; TTN-related disease.
Early-onset myopathy with fatal cardiomyopathy (CMYO5). Also called: CONGENITAL MYOPATHY 5 WITH CARDIOMYOPATHY; Salih Myopathy. Identifiers: Orphanet 289377, MedGen C2673677, MONDO:0012714, OMIM 611705. Disease mechanism: loss of function.
Myopathy, myofibrillar, 9, with early respiratory failure (MFM9). Also called: Myopathy, distal, with early respiratory failure, autosomal dominant; Hereditary myopathy with early respiratory failure; MYOPATHY, PROXIMAL, WITH EARLY RESPIRATORY MUSCLE INVOLVEMENT; EDSTROM MYOPATHY. Identifiers: Orphanet 178464, Orphanet 34521, MedGen C1863599, MONDO:0011362, OMIM 603689.
Tibial muscular dystrophy (TMD). Also called: Udd Distal Myopathy – Tibial Muscular Dystrophy; Tibial muscular dystrophy, tardive; UDD MYOPATHY. Identifiers: Orphanet 609, MedGen C1838244, MONDO:0010870, OMIM 600334.

Allele frequency attached by ClinVar (database versions not stated): gnomAD 0.00317 and 0.00294; gnomAD exomes 0.00029 and 0.00076; ExAC 0.00091; 1000 Genomes Project 0.00220; 1000 Genomes Project 30x 0.00203; ESP Exome Variant Server 0.00264; TOPMed 0.00362.
gnomAD v4.1: 873 of 1,611,914 alleles (0.054%); highest among the groups gnomAD compares: African/African-American, 1.1%; 5 homozygotes.

Submissions (20):

Labcorp Genetics (formerly Invitae), Labcorp
Classification: Benign for Dilated cardiomyopathy 1G; Autosomal recessive limb-girdle muscular dystrophy type 2J. Last evaluated: 2026-02-03. Review status: criteria provided, single submitter. Criteria: Invitae Variant Classification Sherloc (09022015). Collection method: clinical testing. Allele origin: germline.

CeGaT Center for Human Genetics Tuebingen
Classification: Likely benign. Last evaluated: 2025-05-01. Review status: criteria provided, single submitter. Criteria: CeGaT Center For Human Genetics Tuebingen Variant Classification Criteria Version 2. Collection method: clinical testing. Allele origin: germline. Affected: yes. Observed: 1 variant allele.
Comment: TTN: BP4, BS1

Molecular Diagnostic Laboratory for Inherited Cardiovascular Disease, Montreal Heart Institute
Classification: Likely benign. Last evaluated: 2025-04-09. Review status: criteria provided, single submitter. Criteria: ACMG Guidelines, 2015. Collection method: clinical testing. Allele origin: germline. Affected: no.

ARUP Laboratories, Molecular Genetics and Genomics, ARUP Laboratories
Classification: Benign. Last evaluated: 2025-03-25. Review status: criteria provided, single submitter. Criteria: ARUP Molecular Germline Variant Investigation Process 2024. Collection method: clinical testing. Allele origin: germline.

Mayo Clinic Laboratories, Mayo Clinic
Classification: Likely benign. Last evaluated: 2025-02-04. Review status: criteria provided, single submitter. Criteria: ACMG Guidelines, 2015. Collection method: clinical testing. Allele origin: germline. Observed: 11 variant alleles.
Comment: BS1, BP4

Blueprint Genetics
Classification: Likely benign. Last evaluated: 2024-11-25. Review status: criteria provided, single submitter. Criteria: ACMG Guidelines, 2015. Collection method: clinical testing. Allele origin: germline.

Genome-Nilou Lab
Classification: Benign for Autosomal recessive limb-girdle muscular dystrophy type 2J. Last evaluated: 2021-09-10. Review status: criteria provided, single submitter. Criteria: ACMG Guidelines, 2015. Collection method: clinical testing. Allele origin: germline. Affected: no.

Genome-Nilou Lab
Classification: Benign for Myopathy, myofibrillar, 9, with early respiratory failure. Last evaluated: 2021-09-10. Review status: criteria provided, single submitter. Criteria: ACMG Guidelines, 2015. Collection method: clinical testing. Allele origin: germline. Affected: no.

Genome-Nilou Lab
Classification: Benign for Early-onset myopathy with fatal cardiomyopathy. Last evaluated: 2021-09-10. Review status: criteria provided, single submitter. Criteria: ACMG Guidelines, 2015. Collection method: clinical testing. Allele origin: germline. Affected: no.

Genome-Nilou Lab
Classification: Benign for Tibial muscular dystrophy. Last evaluated: 2021-09-10. Review status: criteria provided, single submitter. Criteria: ACMG Guidelines, 2015. Collection method: clinical testing. Allele origin: germline. Affected: no.

Women's Health and Genetics/Laboratory Corporation of America, LabCorp
Classification: Likely benign. Last evaluated: 2021-08-08. Review status: criteria provided, single submitter. Criteria: LabCorp Variant Classification Summary - May 2015. Collection method: clinical testing. Allele origin: germline.

GeneDx
Classification: Likely benign. Last evaluated: 2020-11-27. Review status: criteria provided, single submitter. Criteria: GeneDx Variant Classification Process June 2021. Collection method: clinical testing. Allele origin: germline. Affected: yes.

Athena Diagnostics
Classification: Benign. Last evaluated: 2017-05-05. Review status: criteria provided, single submitter. Criteria: Athena Diagnostics Criteria. Collection method: clinical testing. Allele origin: germline.

Eurofins Ntd Llc (ga)
Classification: Benign. Last evaluated: 2016-12-25. Review status: criteria provided, single submitter. Criteria: EGL Classification Definitions 2015. Collection method: clinical testing. Allele origin: germline. Observed: 2 variant alleles, 2 heterozygotes.

Genetic Services Laboratory, University of Chicago
Classification: Likely benign. Last evaluated: 2015-08-24. Review status: criteria provided, single submitter. Criteria: ACMG Guidelines, 2015. Collection method: clinical testing. Allele origin: germline. Affected: no.

Laboratory for Molecular Medicine, Mass General Brigham Personalized Medicine
Classification: Benign. Last evaluated: 2015-05-06. Review status: criteria provided, single submitter. Criteria: LMM Criteria. Collection method: clinical testing. Allele origin: germline. Observed: 7 variant alleles.
Comment: p.Ala9671Pro in exon 130 of TTN: This variant is not expected to have clinical s ignificance because it has been identified in 1.0% (98/9782) of African chromoso mes by the Exome Aggregation Consortium (ExAC; d bSNP rs72650032).

Ambry Genetics
Classification: Benign for Cardiovascular phenotype. Last evaluated: 2013-09-18. Review status: criteria provided, single submitter. Criteria: Ambry Autosomal Dominant and X-Linked criteria (10/2015). Collection method: clinical testing. Allele origin: germline. Observed: 1 variant allele.

PreventionGenetics, part of Exact Sciences
Classification: Benign for TTN-related condition. Last evaluated: 2021-01-11. Review status: no assertion criteria provided. Collection method: clinical testing. Allele origin: germline. Not counted in ClinVar's aggregate classification.
Comment: This variant is classified as benign based on ACMG/AMP sequence variant interpretation guidelines (Richards et al. 2015 PMID: 25741868, with internal and published modifications).

Clinical Genetics, Academic Medical Center
Classification: Benign. Review status: no assertion criteria provided. Collection method: clinical testing. Allele origin: germline. Affected: yes. Study: VKGL Data-share Consensus. Not counted in ClinVar's aggregate classification.

Laboratory of Diagnostic Genome Analysis, Leiden University Medical Center (LUMC)
Classification: Likely benign. Review status: no assertion criteria provided. Collection method: clinical testing. Allele origin: germline. Affected: yes. Study: VKGL Data-share Consensus. Not counted in ClinVar's aggregate classification.

NM_001267550.2(TTN):c.32743G>C (p.Ala10915Pro)

Gene: TTN (titin; minus strand). Cytogenetic location: 2q31.2.
Variant type: single nucleotide variant.
Coding change: c.32743G>C on transcript NM_001267550.2 (MANE Select); coding-DNA position 32743, G replaced by C.
Protein change: p.Ala10915Pro; replaces alanine 10915 with proline.
Molecular consequence: missense variant. On other transcripts: intron variant (3).
Genome position (GRCh38, 1-based): chr2:178,684,062, C>G on the plus strand (G>C on the coding strand, the complement: TTN is on the minus strand). VCF-style: chr2-178684062-C-G. GRCh37 (hg19) VCF-style: chr2-179548789-C-G.
Other names: p.A10598P:GCT>CCT; c.31792G>C, p.Ala10598Pro (NM_001256850.1); c.29011G>C, p.Ala9671Pro (NM_133378.4); c.13283-41745G>C (NM_003319.4); c.13859-41745G>C (NM_133437.4); c.13658-41745G>C (NM_133432.3); short protein forms A10915P, A9671P, A10598P.
Identifiers: ClinVar variation 46877 (VCV000046877.49), dbSNP rs72650032, ClinGen allele CA139416.